The following is an entry in ClinVar:

ClinVar aggregate classification (germline): Likely benign (0 of 4 stars; one submission).

Conditions:
NUP88-related disorder. Also called: NUP88-related condition.

Allele frequency attached by ClinVar (database versions not stated): ExAC 0.00003; TOPMed 0.00010; gnomAD 0.00011; 1000 Genomes Project 0.00020; 1000 Genomes Project 30x 0.00031; gnomAD exomes 0.00033.
gnomAD v4.1: 491 of 1,584,998 alleles (0.031%); highest among the groups gnomAD compares: Non-Finnish European, 0.04%; no homozygotes.

Submission:

PreventionGenetics, part of Exact Sciences
Classification: Likely benign for NUP88-related condition. Last evaluated: 2019-07-12. Review status: no assertion criteria provided. Collection method: clinical testing. Allele origin: germline.
Comment: This variant is classified as likely benign based on ACMG/AMP sequence variant interpretation guidelines (Richards et al. 2015 PMID: 25741868, with internal and published modifications).

NM_002532.6(NUP88):c.857+7T>A

Gene: NUP88 (nucleoporin 88; minus strand). Cytogenetic location: 17p13.2.
Variant type: single nucleotide variant.
Coding change: c.857+7T>A on transcript NM_002532.6 (MANE Select); 7 bases into the intron after coding-DNA position 857, T replaced by A.
Molecular consequence: intron variant.
Genome position (GRCh38, 1-based): chr17:5,408,726, A>T on the plus strand (T>A on the coding strand, the complement: NUP88 is on the minus strand). VCF-style: chr17-5408726-A-T. GRCh37 (hg19) VCF-style: chr17-5312046-A-T.
Other names: c.857+7T>A (NM_001320653.2).
Identifiers: ClinVar variation 3050296 (VCV003050296.2), dbSNP rs201694832, ClinGen allele CA8324462.